The following is an entry in ClinVar:

NM_017752.3(TBC1D8B):c.366A>C (p.Leu122Phe)

Gene: TBC1D8B (TBC1 domain family member 8B; plus strand). Cytogenetic location: Xq22.3.
Variant type: single nucleotide variant.
Coding change: c.366A>C on transcript NM_017752.3 (MANE Select); coding-DNA position 366, A replaced by C.
Protein change: p.Leu122Phe; replaces leucine 122 with phenylalanine.
Molecular consequence: missense variant.
Genome position (GRCh38, 1-based): chrX:106,821,982, A>C. VCF-style: chrX-106821982-A-C. GRCh37 (hg19) VCF-style: chrX-106065212-A-C.
Other names: c.366A>C, p.Leu122Phe (NM_198881.2); short protein forms L122F.
Identifiers: ClinVar variation 3453639 (VCV003453639.1).

ClinVar aggregate classification (germline): Uncertain significance (1 of 4 stars; one submission).

Submission:

Ambry Genetics
Classification: Uncertain significance. Last evaluated: 2024-08-26. Review status: criteria provided, single submitter. Criteria: Ambry Variant Classification Scheme 2023. Collection method: clinical testing. Allele origin: germline.
Comment: Does not currently meet published gene-disease clinical validity criteria Based on insufficient or conflicting evidence, the clinical significance of this alteration remains unclear.

Literature cited by the submitters: PubMed 28106320.